The following is an entry in ClinVar:

NM_001346754.2(PIGW):c.1388A>C (p.Asn463Thr)

Genes: MYO19 (myosin XIX; minus strand), PIGW (phosphatidylinositol glycan anchor biosynthesis class W; plus strand). Cytogenetic location: 17q12.
Variant type: single nucleotide variant.
Coding change: c.1388A>C on transcript NM_001346754.2 (MANE Select); coding-DNA position 1388, A replaced by C.
Protein change: p.Asn463Thr; replaces asparagine 463 with threonine.
Molecular consequence: missense variant.
Genome position (GRCh38, 1-based): chr17:36,538,489, A>C. VCF-style: chr17-36538489-A-C. GRCh37 (hg19) VCF-style: chr17-34894338-A-C.
Other names: c.1388A>C, p.Asn463Thr (NM_001346755.2, NM_178517.5); short protein forms N463T.
Identifiers: ClinVar variation 1394383 (VCV001394383.6), dbSNP rs2142622453, ClinGen allele CA399164873.
Genomic context (GRCh38, chr17:36,538,489, plus strand): 5'-CTCTAAACAGAAAACAGTTAATATTTTTCTTGCTGTCAAATATAACAACTGGCCTGATCA[A>C]CCTGATGGTAGATACATTACACAGCAGTACCTTGTGGGCCTTATTTGTGGTCAATCTCTA-3'
Protein context (NP_001333683.1, residues 453-473): LLSNITTGLI[Asn463Thr]LMVDTLHSST

ClinVar aggregate classification (germline): Uncertain significance (1 of 4 stars; one submission).

Conditions:
Hyperphosphatasia with intellectual disability syndrome 5 (GPIBD11). Also called: GLYCOSYLPHOSPHATIDYLINOSITOL BIOSYNTHESIS DEFECT 11. Identifiers: Orphanet 247262, MedGen C4014958, MONDO:0014457, OMIM 616025.

Submission:

Labcorp Genetics (formerly Invitae), Labcorp
Classification: Uncertain significance for Hyperphosphatasia with intellectual disability syndrome 5. Last evaluated: 2024-10-24. Review status: criteria provided, single submitter. Criteria: Invitae Variant Classification Sherloc (09022015). Collection method: clinical testing. Allele origin: germline.
Comment: This sequence change replaces asparagine, which is neutral and polar, with threonine, which is neutral and polar, at codon 463 of the PIGW protein (p.Asn463Thr). This variant is not present in population databases (gnomAD no frequency). This variant has not been reported in the literature in individuals affected with PIGW-related conditions. ClinVar contains an entry for this variant (Variation ID: 1394383). Invitae Evidence Modeling of protein sequence and biophysical properties (such as structural, functional, and spatial information, amino acid conservation, physicochemical variation, residue mobility, and thermodynamic stability) indicates that this missense variant is expected to disrupt PIGW protein function with a positive predictive value of 80%. In summary, the available evidence is currently insufficient to determine the role of this variant in disease. Therefore, it has been classified as a Variant of Uncertain Significance.